The following is an entry in ClinVar:

ClinVar aggregate classification (germline): Uncertain significance (1 of 4 stars; one submission).

Allele frequency attached by ClinVar (database versions not stated): TOPMed below 0.00001.
gnomAD v4.1: 1 of 1,613,426 alleles (0.000062%); highest among the groups gnomAD compares: African/African-American, 0.0013%; no homozygotes.

Submission:

Ambry Genetics
Classification: Uncertain significance. Last evaluated: 2022-05-18. Review status: criteria provided, single submitter. Criteria: Ambry Variant Classification Scheme 2023. Collection method: clinical testing. Allele origin: germline.
Comment: The p.V888L variant (also known as c.2662G>T), located in coding exon 22 of the BUB1 gene, results from a G to T substitution at nucleotide position 2662. The valine at codon 888 is replaced by leucine, an amino acid with highly similar properties. This amino acid position is conserved. In addition, this alteration is predicted to be tolerated by in silico analysis. Since supporting evidence is limited at this time, the clinical significance of this alteration remains unclear.

NM_004336.5(BUB1):c.2662G>T (p.Val888Leu)

Gene: BUB1 (BUB1 mitotic checkpoint serine/threonine kinase; minus strand). Cytogenetic location: 2q13.
Variant type: single nucleotide variant.
Coding change: c.2662G>T on transcript NM_004336.5 (MANE Select); coding-DNA position 2662, G replaced by T.
Protein change: p.Val888Leu; replaces valine 888 with leucine.
Molecular consequence: missense variant. On other transcripts: intron variant (1).
Genome position (GRCh38, 1-based): chr2:110,641,428, C>A on the plus strand (G>T on the coding strand, the complement: BUB1 is on the minus strand). VCF-style: chr2-110641428-C-A. GRCh37 (hg19) VCF-style: chr2-111399005-C-A.
Other names: c.2602G>T, p.Val868Leu (NM_001278616.2); c.2625+214G>T (NM_001278617.2); short protein forms V888L, V868L.
Identifiers: ClinVar variation 1794469 (VCV001794469.2), dbSNP rs1689501515, ClinGen allele CA348089891.